The following is an entry in ClinVar:

ClinVar aggregate classification (germline): Uncertain significance. Review status: criteria provided, multiple submitters, no conflicts (2 of 4 stars). 9 submissions from 7 submitters: Uncertain significance (9). Last evaluated 2024-05-01.

Conditions:
Hereditary spastic paraplegia 11. Also called: SPASTIC PARAPLEGIA, AUTOSOMAL RECESSIVE, COMPLICATED, WITH THIN CORPUS CALLOSUM; SPASTIC PARAPLEGIA, AUTOSOMAL RECESSIVE, WITH MENTAL IMPAIRMENT AND THIN CORPUS CALLOSUM; Spastic Paraplegia 11; Spastic paraplegia, mental retardation and thin corpus callosum; Nakamura Osame syndrome; Autosomal recessive hereditary spastic paraplegia, mental impairment, and thin corpus callosum. Identifiers: Orphanet 2822, MedGen C1858479, MONDO:0011445, OMIM 604360.
Inborn genetic diseases. Identifiers: MedGen C0950123, MeSH D030342.
Charcot-Marie-Tooth disease axonal type 2X. Also called: CHARCOT-MARIE-TOOTH DISEASE, AXONAL, AUTOSOMAL RECESSIVE, TYPE 2X; CHARCOT-MARIE-TOOTH NEUROPATHY, TYPE 2X. Identifiers: Orphanet 466775, MedGen C5569024, MONDO:0014726, OMIM 616668.
Amyotrophic lateral sclerosis type 5 (ALS5). Also called: AMYOTROPHIC LATERAL SCLEROSIS 5, JUVENILE. Identifiers: Orphanet 300605, MedGen C1865864, MONDO:0011196, OMIM 602099.

Allele frequency attached by ClinVar (database versions not stated): ExAC 0.00002; gnomAD exomes 0.00003 and 0.00006; TOPMed 0.00004; gnomAD 0.00005.
gnomAD v4.1: 91 of 1,614,068 alleles (0.0056%); highest among the groups gnomAD compares: Non-Finnish European, 0.0076%; no homozygotes.

Submissions (9):

CeGaT Center for Human Genetics Tuebingen
Classification: Uncertain significance. Last evaluated: 2024-05-01. Review status: criteria provided, single submitter. Criteria: CeGaT Center For Human Genetics Tuebingen Variant Classification Criteria Version 2. Collection method: clinical testing. Allele origin: germline. Affected: yes. Observed: 1 variant allele.
Comment: SPG11: PM2, BP4

Labcorp Genetics (formerly Invitae), Labcorp
Classification: Uncertain significance for Hereditary spastic paraplegia 11. Last evaluated: 2022-08-22. Review status: criteria provided, single submitter. Criteria: Invitae Variant Classification Sherloc (09022015). Collection method: clinical testing. Allele origin: germline.
Comment: This sequence change replaces isoleucine, which is neutral and non-polar, with methionine, which is neutral and non-polar, at codon 1931 of the SPG11 protein (p.Ile1931Met). This variant is present in population databases (rs781271890, gnomAD 0.008%). This variant has not been reported in the literature in individuals affected with SPG11-related conditions. ClinVar contains an entry for this variant (Variation ID: 661336). Algorithms developed to predict the effect of missense changes on protein structure and function (SIFT, PolyPhen-2, Align-GVGD) all suggest that this variant is likely to be tolerated. In summary, the available evidence is currently insufficient to determine the role of this variant in disease. Therefore, it has been classified as a Variant of Uncertain Significance.

GeneDx
Classification: Uncertain significance. Last evaluated: 2021-07-21. Review status: criteria provided, single submitter. Criteria: GeneDx Variant Classification Process June 2021. Collection method: clinical testing. Allele origin: germline. Affected: yes.
Comment: Not observed at a significant frequency in large population cohorts (Lek et al., 2016); In silico analysis supports that this missense variant does not alter protein structure/function; Has not been previously published as pathogenic or benign to our knowledge

Ambry Genetics
Classification: Uncertain significance for Inborn genetic diseases. Last evaluated: 2021-05-27. Review status: criteria provided, single submitter. Criteria: Ambry Variant Classification Scheme 2023. Collection method: clinical testing. Allele origin: germline.
Comment: The p.I1931M variant (also known as c.5793C>G), located in coding exon 30 of the SPG11 gene, results from a C to G substitution at nucleotide position 5793. The isoleucine at codon 1931 is replaced by methionine, an amino acid with highly similar properties. This amino acid position is not well conserved in available vertebrate species. In addition, this alteration is predicted to be tolerated by in silico analysis. Since supporting evidence is limited at this time, the clinical significance of this alteration remains unclear.

Illumina Laboratory Services, Illumina
Classification: Uncertain significance for Hereditary spastic paraplegia 11. Last evaluated: 2018-01-13. Review status: criteria provided, single submitter. Criteria: ICSL Variant Classification Criteria 13 December 2019. Collection method: clinical testing. Allele origin: germline.

Blueprint Genetics
Classification: Uncertain significance. Last evaluated: 2017-06-16. Review status: criteria provided, single submitter. Criteria: ACMG Guidelines, 2015. Collection method: clinical testing. Allele origin: germline.

Genome-Nilou Lab
Classification: Uncertain significance for Amyotrophic lateral sclerosis type 5. Review status: criteria provided, single submitter. Criteria: ACMG Guidelines, 2015. Collection method: clinical testing. Allele origin: germline.

Genome-Nilou Lab
Classification: Uncertain significance for Charcot-Marie-Tooth disease axonal type 2X. Review status: criteria provided, single submitter. Criteria: ACMG Guidelines, 2015. Collection method: clinical testing. Allele origin: germline.

Genome-Nilou Lab
Classification: Uncertain significance for Hereditary spastic paraplegia 11. Review status: criteria provided, single submitter. Criteria: ACMG Guidelines, 2015. Collection method: clinical testing. Allele origin: germline.

NM_025137.4(SPG11):c.5793C>G (p.Ile1931Met)

Gene: SPG11 (SPG11 vesicle trafficking associated, spatacsin; minus strand). Cytogenetic location: 15q21.1.
Variant type: single nucleotide variant.
Coding change: c.5793C>G on transcript NM_025137.4 (MANE Select); coding-DNA position 5793, C replaced by G.
Protein change: p.Ile1931Met; replaces isoleucine 1931 with methionine.
Molecular consequence: missense variant.
Genome position (GRCh38, 1-based): chr15:44,583,887, G>C on the plus strand (C>G on the coding strand, the complement: SPG11 is on the minus strand). VCF-style: chr15-44583887-G-C. GRCh37 (hg19) VCF-style: chr15-44876085-G-C.
Other names: c.5793C>G, p.Ile1931Met (NM_001160227.2); short protein forms I1931M.
Identifiers: ClinVar variation 661336 (VCV000661336.34), dbSNP rs781271890, ClinGen allele CA7534348.
Genomic context (GRCh38, chr15:44,583,887, plus strand): 5'-CCTTAGGGGAATGTCGGGTGCTTCTTCCTCAAGCAGCTCAGCACTTTGTAGGAGAGCATG[G>C]ATCTCTGGGTGCAGATCCTCCATACTAGCTTCCCCTGAGGCCAGTGCTCTGCAGTGCAAT-3'
Protein context (NP_079413.3, residues 1921-1941): EASMEDLHPE[Ile1931Met]HALLQSAELL